The following is an entry in ClinVar:

ClinVar aggregate classification (germline): Uncertain significance (1 of 4 stars; one submission).

gnomAD v4.1: 1 of 1,613,784 alleles (0.000062%); no homozygotes.

Submission:

Labcorp Genetics (formerly Invitae), Labcorp
Classification: Uncertain significance. Last evaluated: 2022-09-06. Review status: criteria provided, single submitter. Criteria: Invitae Variant Classification Sherloc (09022015). Collection method: clinical testing. Allele origin: germline.
Comment: Algorithms developed to predict the effect of sequence changes on RNA splicing suggest that this variant may create or strengthen a splice site. This sequence change replaces serine, which is neutral and polar, with cysteine, which is neutral and slightly polar, at codon 810 of the TUBGCP6 protein (p.Ser810Cys). This variant is not present in population databases (gnomAD no frequency). This variant has not been reported in the literature in individuals affected with TUBGCP6-related conditions. ClinVar contains an entry for this variant (Variation ID: 1366878). Algorithms developed to predict the effect of missense changes on protein structure and function are either unavailable or do not agree on the potential impact of this missense change (SIFT: "Tolerated"; PolyPhen-2: "Possibly Damaging"; Align-GVGD: "Class C0"). In summary, the available evidence is currently insufficient to determine the role of this variant in disease. Therefore, it has been classified as a Variant of Uncertain Significance.

NM_020461.4(TUBGCP6):c.2429C>G (p.Ser810Cys)

Gene: TUBGCP6 (tubulin gamma complex component 6; minus strand). Cytogenetic location: 22q13.33.
Variant type: single nucleotide variant.
Coding change: c.2429C>G on transcript NM_020461.4 (MANE Select); coding-DNA position 2429, C replaced by G.
Protein change: p.Ser810Cys; replaces serine 810 with cysteine.
Molecular consequence: missense variant.
Genome position (GRCh38, 1-based): chr22:50,222,083, G>C on the plus strand (C>G on the coding strand, the complement: TUBGCP6 is on the minus strand). VCF-style: chr22-50222083-G-C. GRCh37 (hg19) VCF-style: chr22-50660512-G-C.
Other names: short protein forms S810C.
Identifiers: ClinVar variation 1366878 (VCV001366878.8), dbSNP rs2147181437, ClinGen allele CA412098825.